The following is an entry in ClinVar:

ClinVar aggregate classification (germline): Uncertain significance. Review status: criteria provided, multiple submitters, no conflicts (2 of 4 stars). 2 submissions from 2 submitters: Uncertain significance (2). Last evaluated 2025-10-12.

Conditions:
Cardiomyopathy (CMYO). Also called: Cardiomyopathies. Identifiers: Orphanet 167848, MedGen C0878544, MONDO:0004994, HP:0001638. Inheritance: Various modes of inheritance.
Hypertrophic cardiomyopathy. Also called: HYPERTROPHIC MYOCARDIOPATHY. Identifiers: Orphanet 217569, MedGen C0007194, MeSH D002312, MONDO:0005045, HP:0001639.

Submissions (2):

Labcorp Genetics (formerly Invitae), Labcorp
Classification: Uncertain significance for Hypertrophic cardiomyopathy. Last evaluated: 2025-10-12. Review status: criteria provided, single submitter. Criteria: Invitae Variant Classification Sherloc (09022015). Collection method: clinical testing. Allele origin: germline.
Comment: This sequence change replaces proline, which is neutral and non-polar, with alanine, which is neutral and non-polar, at codon 30 of the MYH7 protein (p.Pro30Ala). This variant is not present in population databases (gnomAD no frequency). This variant has not been reported in the literature in individuals affected with MYH7-related conditions. ClinVar contains an entry for this variant (Variation ID: 1466127). An algorithm developed to predict the effect of missense changes on protein structure and function outputs the following: PolyPhen-2: "Benign". The alanine amino acid residue is found in multiple mammalian species, which suggests that this missense change does not adversely affect protein function. In summary, the available evidence is currently insufficient to determine the role of this variant in disease. Therefore, it has been classified as a Variant of Uncertain Significance.

All of Us Research Program, National Institutes of Health
Classification: Uncertain significance for Cardiomyopathy. Last evaluated: 2023-11-20. Review status: criteria provided, single submitter. Criteria: ACMG Guidelines, 2015. Collection method: clinical testing. Allele origin: germline. Inheritance: Autosomal dominant inheritance. Observed: 1 variant allele, 1 heterozygote.
Comment: This missense variant replaces proline with alanine at codon 30 of the MYH7 protein. Computational prediction suggests that this variant may not impact protein structure and function (internally defined REVEL score threshold <= 0.5, PMID: 27666373). To our knowledge, functional studies have not been reported for this variant. This variant has not been reported in individuals affected with MYH7-related disorders in the literature. This variant has not been identified in the general population by the Genome Aggregation Database (gnomAD). The available evidence is insufficient to determine the role of this variant in disease conclusively. Therefore, this variant is classified as a Variant of Uncertain Significance.

This study involves interpretation of variants in research participants for the purpose of population health screening. Participant phenotype was not available at the time of variant classification. Additional details can be found in publication PMID: 35346344, PMCID: PMC8962531

NM_000257.4(MYH7):c.88C>G (p.Pro30Ala)

Gene: MYH7 (myosin heavy chain 7; minus strand). Cytogenetic location: 14q11.2.
Variant type: single nucleotide variant.
Coding change: c.88C>G on transcript NM_000257.4 (MANE Select); coding-DNA position 88, C replaced by G.
Protein change: p.Pro30Ala; replaces proline 30 with alanine.
Molecular consequence: missense variant.
Genome position (GRCh38, 1-based): chr14:23,433,645, G>C on the plus strand (C>G on the coding strand, the complement: MYH7 is on the minus strand). VCF-style: chr14-23433645-G-C. GRCh37 (hg19) VCF-style: chr14-23902854-G-C.
Other names: short protein forms P30A.
Identifiers: ClinVar variation 1466127 (VCV001466127.9), dbSNP rs1016438334, ClinGen allele CA389053963.